The following is an entry in ClinVar:

NM_000051.4(ATM):c.6908dup (p.Glu2304fs)

Genes: ATM (ATM serine/threonine kinase; plus strand), C11orf65 (chromosome 11 open reading frame 65; minus strand). Cytogenetic location: 11q22.3.
Variant type: Duplication.
Coding change: c.6908dup on transcript NM_000051.4 (MANE Select); coding-DNA position 6908, one base duplicated (A; older notation c.6908dupA).
Protein change: p.Glu2304fs; shifts the reading frame from glutamic acid 2304.
Molecular consequence: frameshift variant. On other transcripts: intron variant (2).
Genome position (GRCh38, 1-based): chr11:108,326,158, A duplicated; the last of 6 consecutive A bases (chr11:108,326,153-108,326,158); duplicating any one gives the same sequence. VCF-style (leftmost placement, unchanged base first): chr11-108326152-C-CA. GRCh37 (hg19) VCF-style: chr11-108196879-C-CA.
Other names: c.6908dupA (NM_000051.3); c.6908dup, p.Glu2304fs (NM_001351834.2); c.641-17082dup (NM_001330368.2); c.*38+9067dup (NM_001351110.2); short protein forms E2304fs.
Identifiers: ClinVar variation 453647 (VCV000453647.43), dbSNP rs773570504, ClinGen allele CA6266030.

ClinVar aggregate classification (germline): Pathogenic/Likely pathogenic. Review status: criteria provided, multiple submitters, no conflicts (2 of 4 stars). 12 submissions from 12 submitters: Pathogenic (8); Likely pathogenic (1). 3 of the submissions do not count toward it. Last evaluated 2024-11-01.

Conditions:
ATM-related disorder. Also called: ATM-related disorders; ATM-related condition.
Hereditary cancer-predisposing syndrome. Also called: Neoplastic Syndromes, Hereditary; Hereditary Cancer Syndrome; Tumor predisposition; Hereditary neoplastic syndrome. Identifiers: Orphanet 140162, MedGen C0027672, MeSH D009386, MONDO:0015356.
Familial cancer of breast. Also called: Hereditary breast cancer; BREAST CANCER, FAMILIAL; hereditary breast carcinoma. Identifiers: Orphanet 227535, MedGen C0346153, MONDO:0016419, OMIM 114480. Disease mechanism: loss of function.
Ataxia-telangiectasia syndrome (AT). Also called: LOUIS-BAR SYNDROME; Cerebello-oculocutaneous telangiectasia; Immunodeficiency with ataxia telangiectasia; Ataxia-telangiectasia, complementation group D; AT, COMPLEMENTATION GROUP C; Ataxia-telangiectasia, complementation group E. Identifiers: Orphanet 100, MedGen C0004135, MONDO:0008840, OMIM 208900.

Submissions (12):

Ambry Genetics
Classification: Pathogenic for Hereditary cancer-predisposing syndrome. Last evaluated: 2024-11-01. Review status: criteria provided, single submitter. Criteria: Ambry Variant Classification Scheme 2023. Collection method: clinical testing. Allele origin: germline.
Comment: The c.6908dupA pathogenic mutation, located in coding exon 46 of the ATM gene, results from a duplication of A at nucleotide position 6908, causing a translational frameshift with a predicted alternate stop codon (p.E2304Gfs*69). This pathogenic mutation has been observed in multiple individuals with ataxia telangiectasia along with another ATM variant (Verhagen MM et al. Neurology 2009 Aug; 73(6):430-7; Schon K et al. Ann. Neurol., 2019 02;85:170-180; Mandola AB et al. Front Immunol, 2019 Dec;10:2940). This mutation has also been reported in multiple patients with a personal and/or family history of breast cancer (Allinen M et al. J. Med. Genet. 2002 Mar; 39(3):192-6; Pylk&auml;s K et al. Carcinogenesis, 2007 May;28:1040-5; Nurmi A et al. Int. J. Cancer, 2019 11;145:2692-2700). Of note, this variant is also designated as 6903insA in published literature. In addition to the clinical data presented in the literature, this alteration is expected to result in loss of function by premature protein truncation or nonsense-mediated mRNA decay. As such, this alteration is interpreted as a disease-causing mutation.

Labcorp Genetics (formerly Invitae), Labcorp
Classification: Pathogenic for Ataxia-telangiectasia syndrome. Last evaluated: 2024-08-11. Review status: criteria provided, single submitter. Criteria: Invitae Variant Classification Sherloc (09022015). Collection method: clinical testing. Allele origin: germline.
Comment: This sequence change creates a premature translational stop signal (p.Glu2304Glyfs*69) in the ATM gene. It is expected to result in an absent or disrupted protein product. Loss-of-function variants in ATM are known to be pathogenic (PMID: 23807571, 25614872). This variant is present in population databases (rs773570504, gnomAD 0.002%). This premature translational stop signal has been observed in individual(s) with ataxia telangiectasia (PMID: 11897822, 19535770, 30549301). This variant is also known as 6903insA. ClinVar contains an entry for this variant (Variation ID: 453647). For these reasons, this variant has been classified as Pathogenic.

Fulgent Genetics
Classification: Pathogenic for Familial cancer of breast; Ataxia-telangiectasia syndrome. Last evaluated: 2024-05-17. Review status: criteria provided, single submitter. Criteria: ACMG Guidelines, 2015. Collection method: clinical testing. Allele origin: germline.

Myriad Genetics, Inc.
Classification: Pathogenic for Familial cancer of breast. Last evaluated: 2024-01-30. Review status: criteria provided, single submitter. Criteria: Myriad Autosomal Dominant, Autosomal Recessive and X-Linked Classification Criteria (2023). Collection method: clinical testing. Allele origin: unknown.
Comment: This variant is considered pathogenic. This variant creates a frameshift predicted to result in premature protein truncation.

GeneDx
Classification: Pathogenic. Last evaluated: 2023-09-24. Review status: criteria provided, single submitter. Criteria: GeneDx Variant Classification Process June 2021. Collection method: clinical testing. Allele origin: germline. Affected: yes.
Comment: Frameshift variant predicted to result in protein truncation or nonsense mediated decay in a gene for which loss-of-function is a known mechanism of disease; Not observed at significant frequency in large population cohorts (gnomAD); Identified in individuals with familial breast cancer (Pylkas et al., 2007; Allinen et al., 2002; Nurmi et al., 2019); Also known as c.6903insA; This variant is associated with the following publications: (PMID: 30549301, 30927251, 19535770, 22213089, 21792198, 11897822, 29922827, 23807571, 25614872, 36551643, 37284046, 17166884, 31921190)

Blueprint Genetics
Classification: Likely pathogenic for ATM-related disorders. Last evaluated: 2023-09-13. Review status: criteria provided, single submitter. Criteria: ACMG Guidelines, 2015. Collection method: clinical testing. Allele origin: germline. Affected: yes. Observed: 5 variant alleles.

Baylor Genetics
Classification: Pathogenic for Familial cancer of breast. Last evaluated: 2023-06-01. Review status: criteria provided, single submitter. Criteria: ACMG Guidelines, 2015. Collection method: clinical testing. Allele origin: unknown.

Department of Pathology and Laboratory Medicine, Sinai Health System
Classification: Pathogenic for Familial cancer of breast; Ataxia-telangiectasia syndrome. Last evaluated: 2021-04-28. Review status: criteria provided, single submitter. Criteria: ACMG Guidelines, 2015. Collection method: clinical testing. Allele origin: germline. Affected: no.

Color Diagnostics, LLC DBA Color Health
Classification: Pathogenic for Hereditary cancer-predisposing syndrome. Last evaluated: 2020-01-21. Review status: criteria provided, single submitter. Criteria: ACMG Guidelines, 2015. Collection method: clinical testing. Allele origin: germline.
Comment: This variant inserts 1 nucleotide in exon 47 of the ATM gene, creating a frameshift and premature translation stop signal. This variant is expected to result in an absent or non-functional protein product. Splice site prediction tools suggest that this variant may not impact RNA splicing. To our knowledge, functional studies have not been performed for this variant. This variant (also known as 6903insA in the literature) has been reported in individuals affected with ataxia telangiectasia (PMID: 11897822, 1935770, 21792198) and breast cancer (PMID: 11897822, 30927251). This variant has also been identified in 4/251246 chromosomes in the general population by the Genome Aggregation Database (gnomAD). Loss of ATM function is a known mechanism of disease. Based on the available evidence, this variant is classified as Pathogenic.

BRCAlab, Lund University
Classification: Pathogenic for Familial cancer of breast. Last evaluated: 2022-08-26. Review status: no assertion criteria provided. Collection method: clinical testing. Allele origin: germline. Affected: yes. Not counted in ClinVar's aggregate classification.

Clinical Genetics DNA and cytogenetics Diagnostics Lab, Erasmus MC, Erasmus Medical Center
Classification: Pathogenic. Review status: no assertion criteria provided. Collection method: clinical testing. Allele origin: germline. Affected: yes. Study: VKGL Data-share Consensus. Not counted in ClinVar's aggregate classification.

Laboratory of Diagnostic Genome Analysis, Leiden University Medical Center (LUMC)
Classification: Pathogenic. Review status: no assertion criteria provided. Collection method: clinical testing. Allele origin: germline. Affected: yes. Study: VKGL Data-share Consensus. Not counted in ClinVar's aggregate classification.

Literature cited by the submitters: PubMed 11897822 (cited by 3 submitters); PubMed 17166884 (cited by Ambry Genetics); PubMed 19535770 (cited by Ambry Genetics and Labcorp Genetics (formerly Invitae), Labcorp); PubMed 21792198 (cited by Ambry Genetics); PubMed 22213089 (cited by Ambry Genetics); PubMed 30549301 (cited by 3 submitters); PubMed 30927251 (cited by Ambry Genetics and Department of Pathology and Laboratory Medicine, Sinai Health System); PubMed 31921190 (cited by Ambry Genetics); PubMed 23807571 (cited by Labcorp Genetics (formerly Invitae), Labcorp); PubMed 25614872 (cited by Labcorp Genetics (formerly Invitae), Labcorp).